The following is an entry in ClinVar:

NM_001042750.2(STAG2):c.475T>C (p.Tyr159His)

Gene: STAG2 (STAG2 cohesin complex component; plus strand). Cytogenetic location: Xq25.
Variant type: single nucleotide variant.
Coding change: c.475T>C on transcript NM_001042750.2 (MANE Select); coding-DNA position 475, T replaced by C.
Protein change: p.Tyr159His; replaces tyrosine 159 with histidine.
Molecular consequence: missense variant.
Genome position (GRCh38, 1-based): chrX:124,045,176, T>C. VCF-style: chrX-124045176-T-C. GRCh37 (hg19) VCF-style: chrX-123179026-T-C.
Other names: c.475T>C, p.Tyr159His (NM_001375371.1, NM_001375372.1, NM_001375373.1 and 13 more transcripts); short protein forms Y159H.
Identifiers: ClinVar variation 3769851 (VCV003769851.2).

ClinVar aggregate classification (germline): Likely pathogenic (1 of 4 stars; one submission).

Submission:

GeneDx
Classification: Likely pathogenic. Last evaluated: 2026-03-16. Review status: criteria provided, single submitter. Criteria: GeneDx Variant Classification Process June 2021. Collection method: clinical testing. Allele origin: germline.
Comment: Not observed at significant frequency in large population cohorts (gnomAD); In silico analysis supports that this missense variant has a deleterious effect on protein structure/function; This variant is associated with the following publications: (PMID: 38279279, 34580287, 41692185)